The following is an entry in ClinVar:

ClinVar aggregate classification (germline): Uncertain significance (1 of 4 stars; one submission).

Conditions:
Fanconi anemia complementation group Q. Identifiers: Orphanet 84, MedGen C3808988, MONDO:0014108, OMIM 615272.

gnomAD v4.1: 2 of 1,614,152 alleles (0.00012%); highest among the groups gnomAD compares: South Asian, 0.0011%; no homozygotes.

Submission:

Neuberg Centre For Genomic Medicine, NCGM
Classification: Uncertain significance for Fanconi anemia complementation group Q. Review status: criteria provided, single submitter. Criteria: ACMG Guidelines, 2015. Collection method: clinical testing. Allele origin: germline. Inheritance: Autosomal recessive inheritance. Affected: yes.
Comment: The missense c.2632G>T(p.Ala878Ser) variant in ERCC4 gene has not been reported previously as a pathogenic variant nor as a benign variant, to our knowledge. This variant is reported with the allele frequency of 0.0004% in the gnomAD Exomes and novel in 1000 Genomes. The amino acid Alanine at position 878 is changed to a Serine changing protein sequence and it might alter its composition and physico-chemical properties. The amino acid change p.Ala878Ser in ERCC4 is predicted as conserved by GERP++ and PhyloP across 100 vertebrates. Multiple in-silico tools predicted this variant as tolerated. For these reasons, this variant has been classified as Uncertain Significance.

NM_005236.3(ERCC4):c.2632G>T (p.Ala878Ser)

Gene: ERCC4 (ERCC excision repair 4, endonuclease catalytic subunit; plus strand). Cytogenetic location: 16p13.12.
Variant type: single nucleotide variant.
Coding change: c.2632G>T on transcript NM_005236.3 (MANE Select); coding-DNA position 2632, G replaced by T.
Protein change: p.Ala878Ser; replaces alanine 878 with serine.
Molecular consequence: missense variant.
Genome position (GRCh38, 1-based): chr16:13,948,228, G>T. VCF-style: chr16-13948228-G-T. GRCh37 (hg19) VCF-style: chr16-14042085-G-T.
Other names: short protein forms A878S.
Identifiers: ClinVar variation 3764497 (VCV003764497.1).